The following is an entry in ClinVar:

ClinVar aggregate classification (germline): Uncertain significance (1 of 4 stars; one submission).

Allele frequency attached by ClinVar (database versions not stated): gnomAD exomes below 0.00001; ExAC 0.00001; TOPMed 0.00001; gnomAD 0.00002.
gnomAD v4.1: 7 of 1,613,814 alleles (0.00043%); highest among the groups gnomAD compares: African/African-American, 0.0027%; no homozygotes.

Submission:

Labcorp Genetics (formerly Invitae), Labcorp
Classification: Uncertain significance. Last evaluated: 2022-07-25. Review status: criteria provided, single submitter. Criteria: Invitae Variant Classification Sherloc (09022015). Collection method: clinical testing. Allele origin: germline.
Comment: In summary, the available evidence is currently insufficient to determine the role of this variant in disease. Therefore, it has been classified as a Variant of Uncertain Significance. Experimental studies and prediction algorithms are not available or were not evaluated, and the functional significance of this variant is currently unknown. ClinVar contains an entry for this variant (Variation ID: 1375703). This variant has not been reported in the literature in individuals affected with MAP3K20-related conditions. This variant is present in population databases (rs779564923, gnomAD 0.003%). This sequence change creates a premature translational stop signal (p.Arg672*) in the MAP3K20 gene. While this is not anticipated to result in nonsense mediated decay, it is expected to disrupt the last 129 amino acid(s) of the MAP3K20 protein.

NM_016653.3(MAP3K20):c.2014C>T (p.Arg672Ter)

Genes: MAP3K20 (mitogen-activated protein kinase kinase kinase 20; plus strand), MAP3K20-AS1 (MAP3K20 antisense RNA 1; minus strand). Cytogenetic location: 2q31.1.
Variant type: single nucleotide variant.
Coding change: c.2014C>T on transcript NM_016653.3 (MANE Select); coding-DNA position 2014, C replaced by T.
Protein change: p.Arg672Ter; replaces arginine 672 with a stop codon.
Molecular consequence: nonsense.
Genome position (GRCh38, 1-based): chr2:173,266,361, C>T. VCF-style: chr2-173266361-C-T. GRCh37 (hg19) VCF-style: chr2-174131089-C-T.
Other names: short protein forms R672*.
Identifiers: ClinVar variation 1375703 (VCV001375703.8), dbSNP rs779564923, ClinGen allele CA1971013.